The following is an entry in ClinVar:

NM_007194.4(CHEK2):c.280G>C (p.Ala94Pro)

Gene: CHEK2 (checkpoint kinase 2; minus strand). Cytogenetic location: 22q12.1.
Variant type: single nucleotide variant.
Coding change: c.280G>C on transcript NM_007194.4 (MANE Select); coding-DNA position 280, G replaced by C.
Protein change: p.Ala94Pro; replaces alanine 94 with proline.
Molecular consequence: missense variant.
Genome position (GRCh38, 1-based): chr22:28,734,442, C>G on the plus strand (G>C on the coding strand, the complement: CHEK2 is on the minus strand). VCF-style: chr22-28734442-C-G. GRCh37 (hg19) VCF-style: chr22-29130430-C-G.
Other names: c.280G>C, p.Ala94Pro (NM_001005735.3, NM_001349956.3, NM_145862.3); c.-498G>C (NM_001257387.3); short protein forms A94P.
Identifiers: ClinVar variation 491610 (VCV000491610.15), dbSNP rs753860983, ClinGen allele CA411090393.

ClinVar aggregate classification (germline): Uncertain significance. Review status: criteria provided, multiple submitters, no conflicts (2 of 4 stars). 2 submissions from 2 submitters: Uncertain significance (2). Last evaluated 2024-05-06.

Conditions:
Hereditary cancer-predisposing syndrome. Also called: Hereditary neoplastic syndrome; Tumor predisposition; Hereditary Cancer Syndrome; Neoplastic Syndromes, Hereditary. Identifiers: Orphanet 140162, MedGen C0027672, MeSH D009386, MONDO:0015356.
Familial cancer of breast. Also called: Hereditary breast cancer; hereditary breast carcinoma; BREAST CANCER, FAMILIAL. Identifiers: Orphanet 227535, MedGen C0346153, MONDO:0016419, OMIM 114480. Disease mechanism: loss of function.

Submissions (2):

Labcorp Genetics (formerly Invitae), Labcorp
Classification: Uncertain significance for Familial cancer of breast. Last evaluated: 2024-05-06. Review status: criteria provided, single submitter. Criteria: Invitae Variant Classification Sherloc (09022015). Collection method: clinical testing. Allele origin: germline.
Comment: This sequence change replaces alanine, which is neutral and non-polar, with proline, which is neutral and non-polar, at codon 94 of the CHEK2 protein (p.Ala94Pro). This variant is not present in population databases (gnomAD no frequency). This variant has not been reported in the literature in individuals affected with CHEK2-related conditions. ClinVar contains an entry for this variant (Variation ID: 491610). An algorithm developed to predict the effect of missense changes on protein structure and function (PolyPhen-2) suggests that this variant is likely to be disruptive. In summary, the available evidence is currently insufficient to determine the role of this variant in disease. Therefore, it has been classified as a Variant of Uncertain Significance.

Color Diagnostics, LLC DBA Color Health
Classification: Uncertain significance for Hereditary cancer-predisposing syndrome. Last evaluated: 2023-12-04. Review status: criteria provided, single submitter. Criteria: ACMG Guidelines, 2015. Collection method: clinical testing. Allele origin: germline.
Comment: This missense variant replaces alanine with proline at codon 94 of the CHEK2 protein. Computational prediction is inconclusive regarding the impact of this variant on protein structure and function (internally defined REVEL score threshold 0.5 < inconclusive < 0.7, PMID: 27666373). To our knowledge, functional studies have not been reported for this variant. This variant has not been reported in individuals affected with CHEK2-related disorders in the literature. This variant has not been identified in the general population by the Genome Aggregation Database (gnomAD). The available evidence is insufficient to determine the role of this variant in disease conclusively. Therefore, this variant is classified as a Variant of Uncertain Significance.